The following is an entry in ClinVar:

ClinVar aggregate classification (germline): Uncertain significance. Review status: criteria provided, multiple submitters, no conflicts (2 of 4 stars). 2 submissions from 2 submitters: Uncertain significance (2). Last evaluated 2024-10-29.

Conditions:
Oxoglutaricaciduria. Identifiers: Orphanet 31, MedGen C2752074, MONDO:0008759, OMIM 203740.

Allele frequency attached by ClinVar (database versions not stated): ExAC 0.00007; gnomAD 0.00009; TOPMed 0.00013; ESP Exome Variant Server 0.00015; gnomAD exomes 0.00018.
gnomAD v4.1: 272 of 1,613,912 alleles (0.017%); highest among the groups gnomAD compares: Non-Finnish European, 0.021%; no homozygotes.

Submissions (2):

Labcorp Genetics (formerly Invitae), Labcorp
Classification: Uncertain significance for Oxoglutaricaciduria. Last evaluated: 2024-10-29. Review status: criteria provided, single submitter. Criteria: Invitae Variant Classification Sherloc (09022015). Collection method: clinical testing. Allele origin: germline.
Comment: This sequence change replaces lysine, which is basic and polar, with arginine, which is basic and polar, at codon 532 of the OGDH protein (p.Lys532Arg). This variant is present in population databases (rs142010155, gnomAD 0.01%). This variant has not been reported in the literature in individuals affected with OGDH-related conditions. ClinVar contains an entry for this variant (Variation ID: 2054870). Invitae Evidence Modeling of protein sequence and biophysical properties (such as structural, functional, and spatial information, amino acid conservation, physicochemical variation, residue mobility, and thermodynamic stability) indicates that this missense variant is not expected to disrupt OGDH protein function with a negative predictive value of 80%. In summary, the available evidence is currently insufficient to determine the role of this variant in disease. Therefore, it has been classified as a Variant of Uncertain Significance.

Ambry Genetics
Classification: Uncertain significance. Last evaluated: 2021-09-16. Review status: criteria provided, single submitter. Criteria: Ambry Variant Classification Scheme 2023. Collection method: clinical testing. Allele origin: germline.

NM_002541.4(OGDH):c.1595A>G (p.Lys532Arg)

Gene: OGDH (oxoglutarate dehydrogenase; plus strand). Cytogenetic location: 7p13.
Variant type: single nucleotide variant.
Coding change: c.1595A>G on transcript NM_002541.4 (MANE Select); coding-DNA position 1595, A replaced by G.
Protein change: p.Lys532Arg; replaces lysine 532 with arginine.
Molecular consequence: missense variant.
Genome position (GRCh38, 1-based): chr7:44,694,503, A>G. VCF-style: chr7-44694503-A-G. GRCh37 (hg19) VCF-style: chr7-44734102-A-G.
Other names: c.1583A>G, p.Lys528Arg (NM_001165036.2); c.1628A>G, p.Lys543Arg (NM_001363523.2); short protein forms K532R, K528R, K543R.
Identifiers: ClinVar variation 2054870 (VCV002054870.3), dbSNP rs142010155, ClinGen allele CA4243870.